The following is an entry in ClinVar:

NM_003128.3(SPTBN1):c.2138del (p.Glu713fs)

Gene: SPTBN1 (spectrin beta, non-erythrocytic 1; plus strand). Cytogenetic location: 2p16.2.
Variant type: Deletion.
Coding change: c.2138del on transcript NM_003128.3 (MANE Select); coding-DNA position 2138, one base deleted (A; older notation c.2138delA).
Protein change: p.Glu713fs; shifts the reading frame from glutamic acid 713.
Molecular consequence: frameshift variant.
Genome position (GRCh38, 1-based): chr2:54,629,272, A deleted. VCF-style (leftmost placement, unchanged base first): chr2-54629271-GA-G. GRCh37 (hg19) VCF-style: chr2-54856408-GA-G.
Other names: c.2099del, p.Glu700fs (NM_178313.3); short protein forms E700fs, E713fs.
Identifiers: ClinVar variation 4726309 (VCV004726309.1).

ClinVar aggregate classification (germline): Pathogenic (1 of 4 stars; one submission).

Submission:

Labcorp Genetics (formerly Invitae), Labcorp
Classification: Pathogenic. Last evaluated: 2025-09-06. Review status: criteria provided, single submitter. Criteria: Invitae Variant Classification Sherloc (09022015). Collection method: clinical testing. Allele origin: germline.
Comment: This sequence change creates a premature translational stop signal (p.Glu713Glyfs*17) in the SPTBN1 gene. It is expected to result in an absent or disrupted protein product. Loss-of-function variants in SPTBN1 are known to be pathogenic (PMID: 33847457, 34211179). This variant is not present in population databases (gnomAD no frequency). This variant has not been reported in the literature in individuals affected with SPTBN1-related conditions. For these reasons, this variant has been classified as Pathogenic.

Literature cited by the submitters: PubMed 33847457; PubMed 34211179.